The following is an entry in ClinVar:

ClinVar aggregate classification (germline): Uncertain significance. Review status: criteria provided, multiple submitters, no conflicts (2 of 4 stars). 5 submissions from 5 submitters: Uncertain significance (5). Last evaluated 2025-12-22.

Conditions:
Hereditary cancer-predisposing syndrome. Also called: Neoplastic Syndromes, Hereditary; Hereditary neoplastic syndrome; Tumor predisposition; Hereditary Cancer Syndrome. Identifiers: Orphanet 140162, MedGen C0027672, MeSH D009386, MONDO:0015356.
Fumarase deficiency (FMRD). Also called: Fumarate Hydratase Deficiency; Fumaric aciduria. Identifiers: Orphanet 24, MedGen C0342770, MONDO:0011730, OMIM 606812.

Submissions (5):

Labcorp Genetics (formerly Invitae), Labcorp
Classification: Uncertain significance. Last evaluated: 2025-12-22. Review status: criteria provided, single submitter. Criteria: Invitae Variant Classification Sherloc (09022015). Collection method: clinical testing. Allele origin: germline.
Comment: This sequence change replaces alanine, which is neutral and non-polar, with leucine, which is neutral and non-polar, at codon 220 of the FH protein (p.Ala220Leu). Information on the frequency of this variant in the gnomAD database is not available, as this variant may be reported differently in the database. This variant has not been reported in the literature in individuals affected with FH-related conditions. ClinVar contains an entry for this variant (Variation ID: 405907). An algorithm developed to predict the effect of missense changes on protein structure and function (PolyPhen-2) suggests that this variant is likely to be tolerated. In summary, the available evidence is currently insufficient to determine the role of this variant in disease. Therefore, it has been classified as a Variant of Uncertain Significance.

GeneDx
Classification: Uncertain significance. Last evaluated: 2025-01-22. Review status: criteria provided, single submitter. Criteria: GeneDx Variant Classification Process June 2021. Collection method: clinical testing. Allele origin: germline. Affected: yes.
Comment: Not observed at significant frequency in large population cohorts (gnomAD); In silico analysis supports a deleterious effect on protein structure/function; Has not been previously published as pathogenic or benign to our knowledge

Ambry Genetics
Classification: Uncertain significance for Hereditary cancer-predisposing syndrome. Last evaluated: 2024-05-24. Review status: criteria provided, single submitter. Criteria: Ambry Variant Classification Scheme 2023. Collection method: clinical testing. Allele origin: germline.
Comment: The c.658_659delGCinsTT (also known as p.A220L) variant, located in coding exon 5 of the FH gene, results from an in-frame deletion of GC and insertion of TT at nucleotide positions 658 to 659. This results in the substitution of the alanine residue for a leucine residue at codon 220, an amino acid with similar properties. This amino acid position is well conserved in available vertebrate species. In addition, the in silico prediction for this alteration is inconclusive (Choi Y et al. PLoS ONE. 2012; 7(10):e46688). Based on the available evidence, the clinical significance of this variant remains unclear.

CeGaT Center for Human Genetics Tuebingen
Classification: Uncertain significance. Last evaluated: 2024-01-01. Review status: criteria provided, single submitter. Criteria: CeGaT Center For Human Genetics Tuebingen Variant Classification Criteria Version 2. Collection method: clinical testing. Allele origin: germline. Affected: yes. Observed: 1 variant allele.
Comment: FH: PM2

Baylor Genetics
Classification: Uncertain significance for Fumarase deficiency. Last evaluated: 2023-04-26. Review status: criteria provided, single submitter. Criteria: ACMG Guidelines, 2015. Collection method: clinical testing. Allele origin: unknown.

NM_000143.4(FH):c.658_659delinsTT (p.Ala220Leu)

Gene: FH (fumarate hydratase; minus strand). Cytogenetic location: 1q43.
Variant type: Indel.
Coding change: c.658_659delinsTT on transcript NM_000143.4 (MANE Select); coding-DNA positions 658 to 659, GC replaced by TT.
Protein change: p.Ala220Leu; replaces alanine 220 with leucine.
Molecular consequence: missense variant.
Genome position (GRCh38, 1-based): chr1:241,508,682-241,508,683, GC replaced by AA on the plus strand (GC replaced by TT on the coding strand, the reverse complement: FH is on the minus strand). VCF-style: chr1-241508682-GC-AA. GRCh37 (hg19) VCF-style: chr1-241671982-GC-AA.
Other names: c.658_659delGCinsTT (NM_000143.3); short protein forms A220L.
Identifiers: ClinVar variation 405907 (VCV000405907.36), dbSNP rs1060500893, ClinGen allele CA16610058.